The following is an entry in ClinVar:

ClinVar aggregate classification (germline): Uncertain significance. Review status: criteria provided, multiple submitters, no conflicts (2 of 4 stars). 2 submissions from 2 submitters: Uncertain significance (2). Last evaluated 2025-04-09.

Allele frequency attached by ClinVar (database versions not stated): gnomAD exomes below 0.00001.
gnomAD v4.1: 1 of 1,614,130 alleles (0.000062%); highest among the groups gnomAD compares: Non-Finnish European, 0.000085%; no homozygotes.

Submissions (2):

GeneDx
Classification: Uncertain significance. Last evaluated: 2025-04-09. Review status: criteria provided, single submitter. Criteria: GeneDx Variant Classification Process June 2021. Collection method: clinical testing. Allele origin: germline. Affected: yes.
Comment: Not observed at significant frequency in large population cohorts (gnomAD); In silico analysis supports that this missense variant has a deleterious effect on protein structure/function; In silico analysis suggests this variant may impact gene splicing. In the absence of RNA/functional studies, the actual effect of this sequence change is unknown.; Has not been previously published as pathogenic or benign to our knowledge

Labcorp Genetics (formerly Invitae), Labcorp
Classification: Uncertain significance. Last evaluated: 2023-07-14. Review status: criteria provided, single submitter. Criteria: Invitae Variant Classification Sherloc (09022015). Collection method: clinical testing. Allele origin: germline.
Comment: In summary, the available evidence is currently insufficient to determine the role of this variant in disease. Therefore, it has been classified as a Variant of Uncertain Significance. Algorithms developed to predict the effect of sequence changes on RNA splicing suggest that this variant may create or strengthen a splice site. Advanced modeling of protein sequence and biophysical properties (such as structural, functional, and spatial information, amino acid conservation, physicochemical variation, residue mobility, and thermodynamic stability) performed at Invitae indicates that this missense variant is not expected to disrupt CSF1R protein function. This variant has not been reported in the literature in individuals affected with CSF1R-related conditions. This variant is not present in population databases (gnomAD no frequency). This sequence change replaces proline, which is neutral and non-polar, with leucine, which is neutral and non-polar, at codon 209 of the CSF1R protein (p.Pro209Leu).

NM_001288705.3(CSF1R):c.626C>T (p.Pro209Leu)

Genes: CSF1R (colony stimulating factor 1 receptor; minus strand), LOC111188154 (RORalpha allelically-responsive CSF1R enhancer; plus strand). Cytogenetic location: 5q32.
Variant type: single nucleotide variant.
Coding change: c.626C>T on transcript NM_001288705.3 (MANE Select); coding-DNA position 626, C replaced by T.
Protein change: p.Pro209Leu; replaces proline 209 with leucine.
Molecular consequence: missense variant. On other transcripts: non-coding transcript variant (2).
Genome position (GRCh38, 1-based): chr5:150,078,215, G>A on the plus strand (C>T on the coding strand, the complement: CSF1R is on the minus strand). VCF-style: chr5-150078215-G-A. GRCh37 (hg19) VCF-style: chr5-149457778-G-A.
Other names: c.626C>T, p.Pro209Leu (NM_001349736.2, NM_001375320.1, NM_005211.4); c.182C>T, p.Pro61Leu (NM_001375321.1); c.626C>T (NM_005211.3); short protein forms P209L, P61L.
Identifiers: ClinVar variation 2986376 (VCV002986376.4), dbSNP rs2481039638, ClinGen allele CA361730383.